The following is an entry in ClinVar:

ClinVar aggregate classification (germline): Likely pathogenic (1 of 4 stars; one submission).

Conditions:
Acrodysostosis 2 with or without hormone resistance. Also called: ACRODYSOSTOSIS 2 WITH HORMONE RESISTANCE; ACRODYSOSTOSIS 2 WITHOUT HORMONE RESISTANCE. Identifiers: Orphanet 280651, MedGen C3553250, MONDO:0013822, OMIM 614613.

Submission:

Victorian Clinical Genetics Services, Murdoch Childrens Research Institute
Classification: Likely pathogenic for Acrodysostosis 2 with or without hormone resistance. Last evaluated: 2025-11-11. Review status: criteria provided, single submitter. Criteria: ACMG Guidelines, 2015. Collection method: clinical testing. Allele origin: germline. Affected: yes.
Comment: This variant is classified as Likely pathogenic. Evidence in support of pathogenic classification: Variant is absent from gnomAD (v2, v3 and v4); Other missense variants comparable to the one identified in this case have moderate previous evidence for pathogenicity. Missense variant in a region that is highly intolerant to missense variation (high constraint region in DECIPHER); Missense variant predicted to be damaging by in silico tool(s) or highly conserved with a major amino acid change; Additional information: Variant is predicted to result in a missense amino acid change from Leu to Pro; This variant is heterozygous; This gene is associated with autosomal dominant disease; Alternative amino acid change(s) at the same position are present in gnomAD (highest allele count: v4: 1 heterozygote(s), 0 homozygote(s)); This variant has no previous evidence of pathogenicity; No published evidence of segregation with disease has been identified for this variant; No published functional evidence has been identified for this variant; The mechanism of disease for this gene is not clearly established. Contrasting hypotheses of gain of function due to an over-activation and loss of function associated with an over-compensation have been suggested in the literature; however, these are yet to be proven. More recently a dominant negative effect has also been suggested (PMID: 38983619); Variants in this gene are known to have variable expressivity. Variable severity and features have been reported (PMID: 40917827).

Literature cited by the submitters: PubMed 38983619.

NM_001104631.2(PDE4D):c.935T>C (p.Leu312Pro)

Gene: PDE4D (phosphodiesterase 4D; minus strand). Cytogenetic location: 5q11.2.
Variant type: single nucleotide variant.
Coding change: c.935T>C on transcript NM_001104631.2 (MANE Select); coding-DNA position 935, T replaced by C.
Protein change: p.Leu312Pro; replaces leucine 312 with proline.
Molecular consequence: missense variant.
Genome position (GRCh38, 1-based): chr5:58,993,452, A>G on the plus strand (T>C on the coding strand, the complement: PDE4D is on the minus strand). VCF-style: chr5-58993452-A-G. GRCh37 (hg19) VCF-style: chr5-58289279-A-G.
Other names: c.752T>C, p.Leu251Pro (NM_001165899.2, NM_001364599.1); c.743T>C, p.Leu248Pro (NM_001197218.2); c.569T>C, p.Leu190Pro (NM_001197219.2); c.545T>C, p.Leu182Pro (NM_001197220.2); c.29T>C, p.Leu10Pro (NM_001197221.2, NM_001364603.1); c.263T>C, p.Leu88Pro (NM_001197222.2); c.62T>C, p.Leu21Pro (NM_001197223.2); c.722T>C, p.Leu241Pro (NM_001349241.2); and 3 more; short protein forms L10P, L176P, L182P, L190P, L202P, L21P, L241P, L248P.
Identifiers: ClinVar variation 4531995 (VCV004531995.1).